The following is an entry in ClinVar:

NM_020207.7(ERCC6L2):c.1877T>A (p.Val626Asp)

Gene: ERCC6L2 (ERCC excision repair 6 like 2; plus strand). Cytogenetic location: 9q22.32.
Variant type: single nucleotide variant.
Coding change: c.1877T>A on transcript NM_020207.7 (MANE Select); coding-DNA position 1877, T replaced by A.
Protein change: p.Val626Asp; replaces valine 626 with aspartic acid.
Molecular consequence: missense variant. On other transcripts: non-coding transcript variant (1).
Genome position (GRCh38, 1-based): chr9:95,955,943, T>A. VCF-style: chr9-95955943-T-A. GRCh37 (hg19) VCF-style: chr9-98718225-T-A.
Other names: c.1877T>A, p.Val626Asp (NM_001010895.4, NM_001375291.1, NM_001375292.1 and 2 more transcripts); short protein forms V626D.
Identifiers: ClinVar variation 3652573 (VCV003652573.2).

ClinVar aggregate classification (germline): Uncertain significance (1 of 4 stars; one submission).

Submission:

Labcorp Genetics (formerly Invitae), Labcorp
Classification: Uncertain significance. Last evaluated: 2024-05-07. Review status: criteria provided, single submitter. Criteria: Invitae Variant Classification Sherloc (09022015). Collection method: clinical testing. Allele origin: germline.
Comment: This sequence change replaces valine, which is neutral and non-polar, with aspartic acid, which is acidic and polar, at codon 637 of the ERCC6L2 protein (p.Val637Asp). This variant is not present in population databases (gnomAD no frequency). This variant has not been reported in the literature in individuals affected with ERCC6L2-related conditions. Experimental studies and prediction algorithms are not available or were not evaluated, and the functional significance of this variant is currently unknown. In summary, the available evidence is currently insufficient to determine the role of this variant in disease. Therefore, it has been classified as a Variant of Uncertain Significance.